The following is an entry in ClinVar:

ClinVar aggregate classification (germline): Likely pathogenic. Review status: criteria provided, multiple submitters, no conflicts (2 of 4 stars). 3 submissions from 3 submitters: Likely pathogenic (3). Last evaluated 2024-06-12.

Conditions:
Cobalamin C disease. Also called: methylmalonic aciduria and homocystinuria type cblC; Methylmalonic aciduria and homocystinuria, Vitamin B12-responsive; Vitamin B12 metabolic defect with combined deficiency of methylmalonyl-CoA mutase and homocysteine:methyltetrahydrofolate methyltransferase; Cobalamin-C methylmalonic acidemia and homocystinuria; Methylmalonic acidemia and homocystinuria cblC type; Methylmalonic aciduria with homocystinuria cblC type. Identifiers: Orphanet 26, Orphanet 79282, MedGen C1848561, MONDO:0010184, OMIM 277400.

Submissions (3):

Fulgent Genetics
Classification: Likely pathogenic for Cobalamin C disease. Last evaluated: 2024-06-12. Review status: criteria provided, single submitter. Criteria: ACMG Guidelines, 2015. Collection method: clinical testing. Allele origin: germline.

Genome-Nilou Lab
Classification: Likely pathogenic for Cobalamin C disease. Last evaluated: 2023-04-11. Review status: criteria provided, single submitter. Criteria: ACMG Guidelines, 2015. Collection method: clinical testing. Allele origin: germline. Affected: no.

Women's Health and Genetics/Laboratory Corporation of America, LabCorp
Classification: Likely pathogenic for Cobalamin C disease. Last evaluated: 2022-01-19. Review status: criteria provided, single submitter. Criteria: LabCorp Variant Classification Summary - May 2015. Collection method: clinical testing. Allele origin: germline.
Comment: Variant summary: MMACHC c.443_459delinsCTGGGGCTGG (p.Val148AlafsX14) results in a premature termination codon, predicted to cause a truncation of the encoded protein or absence of the protein due to nonsense mediated decay, which are commonly known mechanisms for disease. Truncations downstream of this position have been classified as pathogenic by our laboratory. The variant was absent in 249004 control chromosomes (gnomAD). To our knowledge, no occurrence of c.443_459delins10 in individuals affected with Methylmalonic Acidemia With Homocystinuria and no experimental evidence demonstrating its impact on protein function have been reported. No clinical diagnostic laboratories have submitted clinical-significance assessments for this variant to ClinVar after 2014. Based on the evidence outlined above, the variant was classified as likely pathogenic.

NM_015506.3(MMACHC):c.443_459delinsCTGGGGCTGG (p.Val148fs)

Gene: MMACHC (metabolism of cobalamin associated C; plus strand). Cytogenetic location: 1p34.1.
Variant type: Indel.
Coding change: c.443_459delinsCTGGGGCTGG on transcript NM_015506.3 (MANE Select); coding-DNA positions 443 to 459, TGTGCATACACCCCCGA replaced by CTGGGGCTGG.
Protein change: p.Val148fs; shifts the reading frame from valine 148.
Molecular consequence: frameshift variant.
Genome position (GRCh38, 1-based): chr1:45,508,809-45,508,825, TGTGCATACACCCCCGA replaced by CTGGGGCTGG. VCF-style: chr1-45508809-TGTGCATACACCCCCGA-CTGGGGCTGG. GRCh37 (hg19) VCF-style: chr1-45974481-TGTGCATACACCCCCGA-CTGGGGCTGG.
Other names: c.272_288delinsCTGGGGCTGG, p.Val91fs (NM_001330540.2); short protein forms V148fs, V91fs.
Identifiers: ClinVar variation 1339723 (VCV001339723.4), dbSNP rs2149323805, ClinGen allele CA2573051584.